The following is an entry in ClinVar:

NM_014832.5(TBC1D4):c.1993C>T (p.Arg665Cys)

Genes: TBC1D4 (TBC1 domain family member 4; minus strand), LOC126861801 (BRD4-independent group 4 enhancer GRCh37_chr13:75899800-75900999; plus strand). Cytogenetic location: 13q22.2.
Variant type: single nucleotide variant.
Coding change: c.1993C>T on transcript NM_014832.5 (MANE Select); coding-DNA position 1993, C replaced by T.
Protein change: p.Arg665Cys; replaces arginine 665 with cysteine.
Molecular consequence: missense variant.
Genome position (GRCh38, 1-based): chr13:75,326,237, G>A on the plus strand (C>T on the coding strand, the complement: TBC1D4 is on the minus strand). VCF-style: chr13-75326237-G-A. GRCh37 (hg19) VCF-style: chr13-75900373-G-A.
Other names: c.1993C>T, p.Arg665Cys (NM_001286658.2, NM_001286659.2); short protein forms R665C.
Identifiers: ClinVar variation 1050040 (VCV001050040.1), dbSNP rs376333903, ClinGen allele CA7003842.
Genomic context (GRCh38, chr13:75,326,237, plus strand): 5'-CTGGAGAGGGTCAGACTCACCTGCACTGTTCACTGGAGCTCTGCCTCAGCAGAGGGGAAC[G>A]CACACCCTGAGCCCTCCCATCCTGCAAATTCAGCTTTCTCTTTGTGCTTGAAGGTGGGTG-3'
Protein context (NP_055647.2, residues 655-675): NLQDGRAQGV[Arg665Cys]SPLLRQSSSE

ClinVar aggregate classification (germline): Uncertain significance (0 of 4 stars; one submission).

Allele frequency attached by ClinVar (database versions not stated): ExAC 0.00007; 1000 Genomes Project 30x 0.00016; ESP Exome Variant Server 0.00016; gnomAD 0.00017; 1000 Genomes Project 0.00020; TOPMed 0.00020.
gnomAD v4.1: 63 of 1,614,136 alleles (0.0039%); highest among the groups gnomAD compares: African/African-American, 0.068%; no homozygotes.

Submission:

Department of Pathology and Laboratory Medicine, Sinai Health System
Classification: Uncertain significance. Review status: no assertion criteria provided. Collection method: clinical testing. Allele origin: unknown. Affected: yes. Study: The Canadian Open Genetics Repository (COGR).
Comment: The TBC1D4 p.R665C variant was not identified in the literature nor was it identified in ClinVar. The variant was identified in dbSNP (ID: rs376333903) and in control databases in 12 of 279874 chromosomes at a frequency of 0.00004288, and was observed at the highest frequency in the African population in 11 of 24196 chromosomes (freq: 0.0004546) (Genome Aggregation Database March 6, 2019, v2.1.1). The p.R665 residue is conserved in mammals and computational analyses (MUT Assesor, PolyPhen-2, SIFT, MutationTaster, Revel, FATHMM, MetaLR, DANN) provide inconsistent predictions regarding the impact to the protein; this information is not very predictive of pathogenicity. The variant occurs outside of the splicing consensus sequence and in silico or computational prediction software programs (Splice AI exome) do not predict a difference in splicing. In summary, based on the above information the clinical significance of this variant cannot be determined with certainty at this time. This variant is classified as a variant of uncertain significance.